The following is an entry in ClinVar:

ClinVar aggregate classification (germline): Uncertain significance (1 of 4 stars; one submission).

Conditions:
Multiple endocrine neoplasia, type 2 (MEN2). Identifiers: Orphanet 653, MedGen C4048306, MONDO:0019003. Disease mechanism: gain of function.

Submission:

Labcorp Genetics (formerly Invitae), Labcorp
Classification: Uncertain significance for Multiple endocrine neoplasia, type 2. Last evaluated: 2022-01-07. Review status: criteria provided, single submitter. Criteria: Invitae Variant Classification Sherloc (09022015). Collection method: clinical testing. Allele origin: germline.
Comment: In summary, the available evidence is currently insufficient to determine the role of this variant in disease. Therefore, it has been classified as a Variant of Uncertain Significance. Algorithms developed to predict the effect of missense changes on protein structure and function are either unavailable or do not agree on the potential impact of this missense change (SIFT: "Deleterious"; PolyPhen-2: "Probably Damaging"; Align-GVGD: "Class C0"). This variant has not been reported in the literature in individuals affected with RET-related conditions. This variant is not present in population databases (gnomAD no frequency). This sequence change replaces isoleucine, which is neutral and non-polar, with asparagine, which is neutral and polar, at codon 1057 of the RET protein (p.Ile1057Asn).

NM_020975.6(RET):c.3170T>A (p.Ile1057Asn)

Gene: RET (ret proto-oncogene; plus strand). Cytogenetic location: 10q11.21.
Variant type: single nucleotide variant.
Coding change: c.3170T>A on transcript NM_020975.6 (MANE Select); coding-DNA position 3170, T replaced by A.
Protein change: p.Ile1057Asn; replaces isoleucine 1057 with asparagine.
Molecular consequence: missense variant.
Genome position (GRCh38, 1-based): chr10:43,126,705, T>A. VCF-style: chr10-43126705-T-A. GRCh37 (hg19) VCF-style: chr10-43622153-T-A.
Other names: c.3170T>A, p.Ile1057Asn (NM_000323.2, NM_001406743.1, NM_001406744.1 and 2 more transcripts); c.2408T>A, p.Ile803Asn (NM_001355216.2); c.3041T>A, p.Ile1014Asn (NM_001406761.1, NM_001406762.1, NM_001406764.1); c.3035T>A, p.Ile1012Asn (NM_001406763.1, NM_001406765.1); c.2444T>A, p.Ile815Asn (NM_001406776.1, NM_001406778.1, NM_001406775.1); c.2273T>A, p.Ile758Asn (NM_001406779.1, NM_001406780.1, NM_001406781.1 and 1 more transcripts); c.2144T>A, p.Ile715Asn (NM_001406783.1, NM_001406786.1); c.2180T>A, p.Ile727Asn (NM_001406784.1); and 10 more; short protein forms I1012N, I713N, I815N, I882N, I911N, I1057N, I727N, I758N.
Identifiers: ClinVar variation 2045092 (VCV002045092.4), dbSNP rs758877145, ClinGen allele CA376558530.